The following is an entry in ClinVar:

NM_000784.4(CYP27A1):c.741G>T (p.Met247Ile)

Gene: CYP27A1 (cytochrome P450 family 27 subfamily A member 1; plus strand). Cytogenetic location: 2q35.
Variant type: single nucleotide variant.
Coding change: c.741G>T on transcript NM_000784.4 (MANE Select); coding-DNA position 741, G replaced by T.
Protein change: p.Met247Ile; replaces methionine 247 with isoleucine.
Molecular consequence: missense variant.
Genome position (GRCh38, 1-based): chr2:218,812,646, G>T. VCF-style: chr2-218812646-G-T. GRCh37 (hg19) VCF-style: chr2-219677369-G-T.
Other names: short protein forms M247I.
Identifiers: ClinVar variation 3270531 (VCV003270531.1).
Genomic context (GRCh38, chr2:218,812,646, plus strand): 5'-CTGCCTGCAGCGATCCATCCCCGAGGACACCGTGACCTTCGTCAGATCCATCGGGTTAAT[G>T]TTCCAGAACTCACTCTATGCCACCTTCCTCCCCAAGTGGACTCGCCCCGTGCTGCCTTTC-3'
Protein context (NP_000775.1, residues 237-257): TVTFVRSIGL[Met247Ile]FQNSLYATFL

ClinVar aggregate classification (germline): Uncertain significance (1 of 4 stars; one submission).

Conditions:
Cardiovascular phenotype. Identifiers: MedGen CN230736.

Submission:

Ambry Genetics
Classification: Uncertain significance for Cardiovascular phenotype. Last evaluated: 2024-06-07. Review status: criteria provided, single submitter. Criteria: Ambry Variant Classification Scheme 2023. Collection method: clinical testing. Allele origin: germline.
Comment: The p.M247I variant (also known as c.741G>T), located in coding exon 4 of the CYP27A1 gene, results from a G to T substitution at nucleotide position 741. The methionine at codon 247 is replaced by isoleucine, an amino acid with highly similar properties. This amino acid position is conserved. In addition, the in silico prediction for this alteration is inconclusive. Based on the available evidence, the clinical significance of this variant remains unclear.